The following is an entry in ClinVar:

ClinVar aggregate classification (germline): Uncertain significance. Review status: criteria provided, multiple submitters, no conflicts (2 of 4 stars). 2 submissions from 2 submitters: Uncertain significance (2). Last evaluated 2026-07-01.

Conditions:
Combined immunodeficiency due to ORAI1 deficiency. Also called: IMMUNODEFICIENCY 9. Identifiers: Orphanet 169090, Orphanet 317428, MedGen C2748568, MONDO:0013007, OMIM 612782.
Myopathy, tubular aggregate, 2 (TAM2). Identifiers: MedGen C4014557, MONDO:0014383, OMIM 615883.

Allele frequency attached by ClinVar (database versions not stated): gnomAD exomes below 0.00001.

Submissions (2):

CeGaT Center for Human Genetics Tuebingen
Classification: Uncertain significance. Last evaluated: 2026-07-01. Review status: criteria provided, single submitter. Criteria: CeGaT Center For Human Genetics Tuebingen Variant Classification Criteria Version 2. Collection method: clinical testing. Allele origin: germline. Affected: yes. Observed: 1 variant allele.

Labcorp Genetics (formerly Invitae), Labcorp
Classification: Uncertain significance for Myopathy, tubular aggregate, 2; Combined immunodeficiency due to ORAI1 deficiency. Last evaluated: 2022-05-06. Review status: criteria provided, single submitter. Criteria: Invitae Variant Classification Sherloc (09022015). Collection method: clinical testing. Allele origin: germline.
Comment: In summary, the available evidence is currently insufficient to determine the role of this variant in disease. Therefore, it has been classified as a Variant of Uncertain Significance. Experimental studies and prediction algorithms are not available or were not evaluated, and the functional significance of this variant is currently unknown. This variant has not been reported in the literature in individuals affected with ORAI1-related conditions. This variant is not present in population databases (gnomAD no frequency). This sequence change replaces arginine, which is basic and polar, with leucine, which is neutral and non-polar, at codon 11 of the ORAI1 protein (p.Arg11Leu).

NC_000012.12:g.121626774G>T

Genes: ORAI1 (ORAI calcium release-activated calcium modulator 1; plus strand), LOC130008987 (ATAC-STARR-seq lymphoblastoid silent region 4981; plus strand). Cytogenetic location: 12q24.31.
Variant type: single nucleotide variant.
Genome position: GRCh38 VCF-style: chr12-121626774-G-T. GRCh37 (hg19) VCF-style: chr12-122064679-G-T.
Other names: c.32G>T, p.Arg11Leu (NM_032790.4); short protein forms R11L.
Identifiers: ClinVar variation 1975278 (VCV001975278.6), dbSNP rs2503521438, ClinGen allele CA386980306.